The following is an entry in ClinVar:

ClinVar aggregate classification (germline): Likely benign (1 of 4 stars; one submission).

Allele frequency attached by ClinVar (database versions not stated): 1000 Genomes Project 30x 0.00021; 1000 Genomes Project 0.00026; TOPMed 0.00027; ESP Exome Variant Server 0.00028; ExAC 0.00031; gnomAD exomes 0.00031.
gnomAD v4.1: 357 of 1,176,762 alleles (0.03%); highest among the groups gnomAD compares: Admixed American, 0.062%; 1 homozygote.

Submission:

CeGaT Center for Human Genetics Tuebingen
Classification: Likely benign. Last evaluated: 2023-02-01. Review status: criteria provided, single submitter. Criteria: CeGaT Center For Human Genetics Tuebingen Variant Classification Criteria Version 2. Collection method: clinical testing. Allele origin: germline. Affected: yes. Observed: 1 variant allele.
Comment: CFAP47: BP4, BS2

NM_001304548.2(CFAP47):c.1170C>G (p.Ile390Met)

Gene: CFAP47 (cilia and flagella associated protein 47; plus strand). Cytogenetic location: Xp21.1.
Variant type: single nucleotide variant.
Coding change: c.1170C>G on transcript NM_001304548.2 (MANE Select); coding-DNA position 1170, C replaced by G.
Protein change: p.Ile390Met; replaces isoleucine 390 with methionine.
Molecular consequence: missense variant.
Genome position (GRCh38, 1-based): chrX:35,953,715, C>G. VCF-style: chrX-35953715-C-G. GRCh37 (hg19) VCF-style: chrX-35971832-C-G.
Other names: c.1170C>G, p.Ile390Met (NM_152632.4); short protein forms I390M.
Identifiers: ClinVar variation 2660259 (VCV002660259.24), dbSNP rs137975595, ClinGen allele CA10381575.